The following is an entry in ClinVar:

ClinVar aggregate classification (germline): Benign. Review status: criteria provided, multiple submitters, no conflicts (2 of 4 stars). 2 submissions from 2 submitters: Benign (2). Last evaluated 2018-01-12.

Conditions:
Disorders of Intracellular Cobalamin Metabolism. Identifiers: MedGen CN043592.

Allele frequency attached by ClinVar (database versions not stated): TOPMed 0.13497; 1000 Genomes Project 0.18590; 1000 Genomes Project 30x 0.18738; gnomAD exomes 0.03904; gnomAD 0.11861.
gnomAD v4.1: 18,487 of 159,128 alleles (12%); highest among the groups gnomAD compares: African/African-American, 32%; 2,456 homozygotes.

Submissions (2):

Illumina Laboratory Services, Illumina
Classification: Benign for Disorders of Intracellular Cobalamin Metabolism. Last evaluated: 2018-01-12. Review status: criteria provided, single submitter. Criteria: ICSL Variant Classification Criteria 13 December 2019. Collection method: clinical testing. Allele origin: germline.
Comment: This variant was observed in the ICSL laboratory as part of a predisposition screen in an ostensibly healthy population. It had not been previously curated by ICSL or reported in the Human Gene Mutation Database (HGMD: prior to June 1st, 2018), and was therefore a candidate for classification through an automated scoring system. Utilizing variant allele frequency, disease prevalence and penetrance estimates, and inheritance mode, an automated score was calculated to assess if this variant is too frequent to cause the disease. Based on the score and internal cut-off values, a variant classified as benign is not then subjected to further curation. The score for this variant resulted in a classification of benign for this disease.

Breakthrough Genomics
Classification: Benign. Review status: criteria provided, single submitter. Criteria: ACMG Guidelines, 2015. Collection method: not provided. Allele origin: germline. Inheritance: Autosomal recessive inheritance. Affected: yes.

NM_000254.3(MTR):c.*2804T>C

Gene: MTR (5-methyltetrahydrofolate-homocysteine methyltransferase; plus strand). Cytogenetic location: 1q43.
Variant type: single nucleotide variant.
Coding change: c.*2804T>C on transcript NM_000254.3 (MANE Select); 2804 bases downstream of the stop codon, T replaced by C.
Molecular consequence: 3 prime UTR variant.
Genome position (GRCh38, 1-based): chr1:236,900,448, T>C. VCF-style: chr1-236900448-T-C. GRCh37 (hg19) VCF-style: chr1-237063748-T-C.
Other names: c.*2804T>C (NM_001291939.1, NM_001291940.2).
Identifiers: ClinVar variation 296638 (VCV000296638.6), dbSNP rs10925263, ClinGen allele CA10609520.